The following is an entry in ClinVar:

NM_031308.4(EPPK1):c.103C>A (p.Pro35Thr)

Gene: EPPK1 (epiplakin 1; minus strand). Cytogenetic location: 8q24.3.
Variant type: single nucleotide variant.
Coding change: c.103C>A on transcript NM_031308.4 (MANE Select); coding-DNA position 103, C replaced by A.
Protein change: p.Pro35Thr; replaces proline 35 with threonine.
Molecular consequence: missense variant.
Genome position (GRCh38, 1-based): chr8:143,873,151, G>T on the plus strand (C>A on the coding strand, the complement: EPPK1 is on the minus strand). VCF-style: chr8-143873151-G-T. GRCh37 (hg19) VCF-style: chr8-144947319-G-T.
Other names: short protein forms P35T.
Identifiers: ClinVar variation 2636784 (VCV002636784.1), dbSNP rs77375433, ClinGen allele CA372540403.

ClinVar aggregate classification (germline): Uncertain significance (1 of 4 stars; one submission).

Conditions:
EPPK1-related disorder. Also called: EPPK1-related condition.

Submission:

PreventionGenetics, part of Exact Sciences
Classification: Uncertain significance for EPPK1-related condition. Last evaluated: 2023-04-05. Review status: criteria provided, single submitter. Criteria: ACMG Guidelines, 2015. Collection method: clinical testing. Allele origin: germline.
Comment: The EPPK1 c.103C>A variant is predicted to result in the amino acid substitution p.Pro35Thr. To our knowledge, this variant has not been reported in the literature or in a large population database, indicating this variant is rare. At this time, the clinical significance of this variant is uncertain due to the absence of conclusive functional and genetic evidence.